The following is an entry in ClinVar:

NC_000001.10:g.(?_216107948)_(216166519_?)dup

Gene: USH2A (usherin; minus strand). Cytogenetic location: 1q41.
Variant type: Duplication.
Identifiers: ClinVar variation 1349964 (VCV001349964.4).

ClinVar aggregate classification (germline): Likely pathogenic (1 of 4 stars; one submission).

Submission:

Labcorp Genetics (formerly Invitae), Labcorp
Classification: Likely pathogenic. Last evaluated: 2020-12-19. Review status: criteria provided, single submitter. Criteria: Invitae Variant Classification Sherloc (09022015). Collection method: clinical testing. Allele origin: germline.
Comment: In summary, the currently available evidence indicates that the variant is pathogenic, but additional data are needed to prove that conclusively. Therefore, this variant has been classified as Likely Pathogenic. This variant has not been reported in the literature in individuals with USH2A-related conditions. This variant results in a copy number gain of the genomic region encompassing exon(s) 35-38 of the USH2A gene. While the exact position of this variant cannot be determined from the data, sub-genic copy number gains are generally in tandem (PMID: 25640679). This variant is predicted to be out-of-frame, and may result in an absent or disrupted protein product. Loss-of-function variants in USH2A are known to be pathogenic (PMID: 10729113, 10909849, 20507924, 25649381).

Literature cited by the submitters: PubMed 25640679; PubMed 10729113; PubMed 10909849; PubMed 20507924; PubMed 25649381.